The following is an entry in ClinVar:

NM_001009925.2(TMEM230):c.233G>T (p.Arg78Leu)

Gene: TMEM230 (transmembrane protein 230; minus strand). Cytogenetic location: 20p12.3.
Variant type: single nucleotide variant.
Coding change: c.233G>T on transcript NM_001009925.2 (MANE Select); coding-DNA position 233, G replaced by T.
Protein change: p.Arg78Leu; replaces arginine 78 with leucine.
Molecular consequence: missense variant. On other transcripts: intron variant (1).
Genome position (GRCh38, 1-based): chr20:5,100,921, C>A on the plus strand (G>T on the coding strand, the complement: TMEM230 is on the minus strand). VCF-style: chr20-5100921-C-A. GRCh37 (hg19) VCF-style: chr20-5081567-C-A.
Other names: R141L; c.233G>T, p.Arg78Leu (NM_001009924.2, NM_001330984.2, NM_001330985.2 and 3 more transcripts); c.222+5267G>T (NM_001330987.2); short protein forms R78L.
Identifiers: ClinVar variation 243014 (VCV000243014.4), dbSNP rs764786986, ClinGen allele CA10584058.
Genomic context (GRCh38, chr20:5,100,921, plus strand): 5'-CGCAGGTGGTAAAATCCGGGTAGGAACACCAGAATGCCAATGATCAGCACTGGAACGGCC[C>A]GGTCTGCCCCCTGGTGGCAGAAGGAGGCAAACACATTAGTACCGTAAGAGTTACACATTT-3'
Protein context (NP_001009925.1, residues 68-88): SGYISKGGAD[Arg78Leu]AVPVLIIGIL

ClinVar aggregate classification (germline): Pathogenic. Review status: criteria provided, single submitter (1 of 4 stars). 2 submissions from 2 submitters: Pathogenic (1). 1 of the submissions does not count toward it. Last evaluated 2023-09-04.

gnomAD v4.1: 5 of 1,613,958 alleles (0.00031%); highest among the groups gnomAD compares: Non-Finnish European, 0.00042%; no homozygotes.

Submissions (2):

Labcorp Genetics (formerly Invitae), Labcorp
Classification: Pathogenic. Last evaluated: 2023-09-04. Review status: criteria provided, single submitter. Criteria: Invitae Variant Classification Sherloc (09022015). Collection method: clinical testing. Allele origin: germline.
Comment: For these reasons, this variant has been classified as Pathogenic. Experimental studies have shown that this missense change affects TMEM230 function (PMID: 27270108, 30460091). An algorithm developed to predict the effect of missense changes on protein structure and function (PolyPhen-2) suggests that this variant is likely to be tolerated. ClinVar contains an entry for this variant (Variation ID: 243014). This variant is also known as R78L. This missense change has been observed in individual(s) with Parkinson disease (PMID: 27270108). It has also been observed to segregate with disease in related individuals. This variant is present in population databases (no rsID available, gnomAD 0.0009%). This sequence change replaces arginine, which is basic and polar, with leucine, which is neutral and non-polar, at codon 141 of the TMEM230 protein (p.Arg141Leu).

OMIM
Classification: Uncertain significance for VARIANT OF UNKNOWN SIGNIFICANCE. Last evaluated: 2014-04-01. Review status: no assertion criteria provided. Collection method: literature only. Allele origin: germline. Not counted in ClinVar's aggregate classification.

Literature cited by the submitters: PubMed 27270108 (cited by Labcorp Genetics (formerly Invitae), Labcorp and OMIM); PubMed 30460091 (cited by Labcorp Genetics (formerly Invitae), Labcorp); PubMed 24218364 (cited by OMIM).